The following is an entry in ClinVar:

NM_002941.4(ROBO1):c.657+4A>C

Gene: ROBO1 (roundabout guidance receptor 1; minus strand). Cytogenetic location: 3p12.3.
Variant type: single nucleotide variant.
Coding change: c.657+4A>C on transcript NM_002941.4 (MANE Select); 4 bases into the intron after coding-DNA position 657, A replaced by C.
Molecular consequence: intron variant.
Genome position (GRCh38, 1-based): chr3:78,746,739, T>G on the plus strand (A>C on the coding strand, the complement: ROBO1 is on the minus strand). VCF-style: chr3-78746739-T-G. GRCh37 (hg19) VCF-style: chr3-78795889-T-G.
Other names: c.540+4A>C (NM_001145845.2, NM_133631.4).
Identifiers: ClinVar variation 2091469 (VCV002091469.4), dbSNP rs1444208341, ClinGen allele CA544502418.

ClinVar aggregate classification (germline): Uncertain significance (1 of 4 stars; one submission).

Submission:

Labcorp Genetics (formerly Invitae), Labcorp
Classification: Uncertain significance. Last evaluated: 2022-06-20. Review status: criteria provided, single submitter. Criteria: Invitae Variant Classification Sherloc (09022015). Collection method: clinical testing. Allele origin: germline.
Comment: This variant is not present in population databases (gnomAD no frequency). In summary, the available evidence is currently insufficient to determine the role of this variant in disease. Therefore, it has been classified as a Variant of Uncertain Significance. Variants that disrupt the consensus splice site are a relatively common cause of aberrant splicing (PMID: 17576681, 9536098). Algorithms developed to predict the effect of sequence changes on RNA splicing suggest that this variant is not likely to affect RNA splicing. This variant has not been reported in the literature in individuals affected with ROBO1-related conditions. This sequence change falls in intron 5 of the ROBO1 gene. It does not directly change the encoded amino acid sequence of the ROBO1 protein. It affects a nucleotide within the consensus splice site.

Literature cited by the submitters: PubMed 17576681; PubMed 9536098.